The following is an entry in ClinVar:

ClinVar aggregate classification (germline): Uncertain significance (1 of 4 stars; one submission).

Conditions:
Gastrointestinal stromal tumor. Also called: Gastrointestinal stromal tumor, somatic; Gastrointestinal stroma tumor. Identifiers: Orphanet 44890, MedGen C0238198, MeSH D046152, MONDO:0011719, OMIM 606764, HP:0100723.

Submission:

Labcorp Genetics (formerly Invitae), Labcorp
Classification: Uncertain significance for Gastrointestinal stromal tumor. Last evaluated: 2023-07-21. Review status: criteria provided, single submitter. Criteria: Invitae Variant Classification Sherloc (09022015). Collection method: clinical testing. Allele origin: germline.
Comment: This sequence change creates a premature translational stop signal (p.Ala625Cysfs*13) in the PDGFRA gene. It is expected to result in an absent or disrupted protein product. However, the current clinical and genetic evidence is not sufficient to establish whether loss-of-function variants in PDGFRA cause disease. This variant is not present in population databases (gnomAD no frequency). This variant has not been reported in the literature in individuals affected with PDGFRA-related conditions. In summary, the available evidence is currently insufficient to determine the role of this variant in disease. Therefore, it has been classified as a Variant of Uncertain Significance.

NM_006206.6(PDGFRA):c.1872dup (p.Ala625fs)

Gene: PDGFRA (platelet derived growth factor receptor alpha; plus strand). Cytogenetic location: 4q12.
Variant type: Duplication.
Coding change: c.1872dup on transcript NM_006206.6 (MANE Select); coding-DNA position 1872, one base duplicated (T; older notation c.1872dupT).
Protein change: p.Ala625fs; shifts the reading frame from alanine 625.
Molecular consequence: frameshift variant.
Genome position (GRCh38, 1-based): chr4:54,277,473, T duplicated; the last of 2 consecutive T bases (chr4:54,277,472-54,277,473); duplicating either gives the same sequence. VCF-style (leftmost placement, unchanged base first): chr4-54277471-G-GT. GRCh37 (hg19) VCF-style: chr4-55143638-G-GT.
Other names: c.1872dup, p.Ala625fs (NM_001347827.2, NM_001347829.2); c.1947dup, p.Ala650fs (NM_001347828.2); c.1911dup, p.Ala638fs (NM_001347830.2); short protein forms A650fs, A625fs, A638fs.
Identifiers: ClinVar variation 2729602 (VCV002729602.3), dbSNP rs2475508047, ClinGen allele CA2697546745.